The following is an entry in ClinVar:

ClinVar aggregate classification (germline): Uncertain significance (0 of 4 stars; one submission).

Conditions:
NCOA1-related disorder. Also called: NCOA1-related condition.

gnomAD v4.1: 2 of 1,612,460 alleles (0.00012%); highest among the groups gnomAD compares: Admixed American, 0.0033%; no homozygotes.

Submission:

PreventionGenetics, part of Exact Sciences
Classification: Uncertain significance for NCOA1-related condition. Last evaluated: 2024-09-01. Review status: no assertion criteria provided. Collection method: clinical testing. Allele origin: germline.
Comment: The NCOA1 c.3292A>T variant is predicted to result in the amino acid substitution p.Ile1098Phe. To our knowledge, this variant has not been reported in the literature. This variant is reported in 0.0029% of alleles in individuals of Latino descent in gnomAD. At this time, the clinical significance of this variant is uncertain due to the absence of conclusive functional and genetic evidence.

NM_003743.5(NCOA1):c.3292A>T (p.Ile1098Phe)

Gene: NCOA1 (nuclear receptor coactivator 1; plus strand). Cytogenetic location: 2p23.3.
Variant type: single nucleotide variant.
Coding change: c.3292A>T on transcript NM_003743.5 (MANE Select); coding-DNA position 3292, A replaced by T.
Protein change: p.Ile1098Phe; replaces isoleucine 1098 with phenylalanine.
Molecular consequence: missense variant.
Genome position (GRCh38, 1-based): chr2:24,739,522, A>T. VCF-style: chr2-24739522-A-T. GRCh37 (hg19) VCF-style: chr2-24962391-A-T.
Other names: c.3292A>T, p.Ile1098Phe (NM_001362950.1, NM_001362952.1, NM_001362954.1 and 3 more transcripts); short protein forms I1098F.
Identifiers: ClinVar variation 3358376 (VCV003358376.1).
Genomic context (GRCh38, chr2:24,739,522, plus strand): 5'-AACCAGTTTGCAGCAACTGCTCCTGTTGGCATCAATATGAGATCAGGCATGCAACAGCAA[A>T]TTACACCTCAGGTAATGTGAGAAAACCAGACGTCATTAGTACTTCTTTAACCCACATAGT-3'
Protein context (NP_003734.3, residues 1088-1108): INMRSGMQQQ[Ile1098Phe]TPQPPLNAQM